The following is an entry in ClinVar:

NM_001807.6(CEL):c.1410_1411delinsACTC (p.Thr471fs)

Gene: CEL (carboxyl ester lipase; plus strand). Cytogenetic location: 9q34.13.
Variant type: Indel.
Coding change: c.1410_1411delinsACTC on transcript NM_001807.6 (MANE Select); coding-DNA positions 1410 to 1411, CA replaced by ACTC.
Protein change: p.Thr471fs; shifts the reading frame from threonine 471.
Molecular consequence: frameshift variant.
Genome position (GRCh38, 1-based): chr9:133,070,584-133,070,585, CA replaced by ACTC. VCF-style: chr9-133070584-CA-ACTC. GRCh37 (hg19) VCF-style: chr9-135945971-CA-ACTC.
Other names: c.1419_1420delinsACTC (NM_001807.3, NM_001807.4); short protein forms T471fs.
Identifiers: ClinVar variation 2584560 (VCV002584560.4), dbSNP rs2490435311, ClinGen allele CA2582342671.

ClinVar aggregate classification (germline): Conflicting classifications of pathogenicity. Review status: criteria provided, conflicting classifications (1 of 4 stars). 3 submissions from 3 submitters: Likely pathogenic (1); Uncertain significance (2). Last evaluated 2026-01-27.

Conditions:
CEL-related disorder. Also called: CEL-related condition.
Maturity-onset diabetes of the young type 8 (MODY8). Also called: DIABETES AND PANCREATIC EXOCRINE DYSFUNCTION; DIABETES-PANCREATIC EXOCRINE DYSFUNCTION SYNDROME. Identifiers: Orphanet 552, MedGen C1853297, MONDO:0012348, OMIM 609812.

Submissions (3):

GeneDx
Classification: Uncertain significance. Last evaluated: 2026-01-27. Review status: criteria provided, single submitter. Criteria: GeneDx Variant Classification Process June 2021. Collection method: clinical testing. Allele origin: germline. Affected: yes.
Comment: Frameshift variant predicted to result in abnormal protein length as the last 283 amino acids are replaced with 14 different amino acids; Not observed at significant frequency in large population cohorts (gnomAD); Has not been previously published as pathogenic or benign to our knowledge

PreventionGenetics, part of Exact Sciences
Classification: Likely pathogenic for CEL-related condition. Last evaluated: 2023-02-27. Review status: criteria provided, single submitter. Criteria: ACMG Guidelines, 2015. Collection method: clinical testing. Allele origin: germline.
Comment: The CEL c.1419_1420delinsACTC variant is predicted to result in a frameshift and premature protein termination (p.Thr474Leufs*15). To our knowledge, this variant has not been reported in the literature or in a large population database, indicating this variant is rare. Frameshift variants in CEL are expected to be pathogenic. This variant is interpreted as likely pathogenic.

New York Genome Center
Classification: Uncertain significance for Maturity-onset diabetes of the young type 8. Last evaluated: 2023-02-17. Review status: criteria provided, single submitter. Criteria: NYGC Assertion Criteria 2020. Collection method: clinical testing. Allele origin: germline. Observed: 1 heterozygote.
Comment: The c.1410_1411delinsACTC, p.(Thr471LeufsTer15) variant identified in the CEL gene is a small insertion-deletion variant predicted to lead to a frameshift of the protein at amino acid 471/754 (exon 10/11). While this exact variant is absent from gnomADv3.1.2, a similar variant predicted to lead to a frameshift at the same position (p.Thr471ArgfsTer14) is found with low frequency (8 heterozygotes, 0 homozygotes; allele frequency: 5.29e-5) suggesting it is not a common benign variant in the populations represented in that database. The p.(Thr471LeufsTer15) variant is absent from ClinVar and to our current knowledge has not been reported in affected individuals in the literature. The p.Thr471 residue is N-terminal to the VNTR region of CEL where many pathogenic variants are reported [PMID:29233499]. Given the lack of compelling evidence for its pathogenicity and the uncertainty regarding mechanism of pathogenicity for the CEL gene, the c.1410_1411delinsACTC, p.(Thr471LeufsTer15) variant is reported as a Variant of Uncertain Significance.